The following is an entry in ClinVar:

ClinVar aggregate classification (germline): Uncertain significance. Review status: criteria provided, multiple submitters, no conflicts (2 of 4 stars). 2 submissions from 2 submitters: Uncertain significance (2). Last evaluated 2023-07-07.

Conditions:
Hereditary cancer-predisposing syndrome. Also called: Neoplastic Syndromes, Hereditary; Hereditary Cancer Syndrome; Tumor predisposition; Hereditary neoplastic syndrome. Identifiers: Orphanet 140162, MedGen C0027672, MeSH D009386, MONDO:0015356.

Allele frequency attached by ClinVar (database versions not stated): gnomAD exomes below 0.00001.
gnomAD v4.1: 1 of 1,614,182 alleles (0.000062%); highest among the groups gnomAD compares: East Asian, 0.0022%; no homozygotes.

Submissions (2):

Labcorp Genetics (formerly Invitae), Labcorp
Classification: Uncertain significance. Last evaluated: 2023-07-07. Review status: criteria provided, single submitter. Criteria: Invitae Variant Classification Sherloc (09022015). Collection method: clinical testing. Allele origin: germline.
Comment: In summary, the available evidence is currently insufficient to determine the role of this variant in disease. Therefore, it has been classified as a Variant of Uncertain Significance. Advanced modeling of protein sequence and biophysical properties (such as structural, functional, and spatial information, amino acid conservation, physicochemical variation, residue mobility, and thermodynamic stability) performed at Invitae indicates that this missense variant is not expected to disrupt POLE protein function. ClinVar contains an entry for this variant (Variation ID: 2447926). This variant has not been reported in the literature in individuals affected with POLE-related conditions. This variant is present in population databases (no rsID available, gnomAD 0.0009%). This sequence change replaces lysine, which is basic and polar, with arginine, which is basic and polar, at codon 732 of the POLE protein (p.Lys732Arg).

Ambry Genetics
Classification: Uncertain significance for Hereditary cancer-predisposing syndrome. Last evaluated: 2022-12-07. Review status: criteria provided, single submitter. Criteria: Ambry Variant Classification Scheme 2023. Collection method: clinical testing. Allele origin: germline.
Comment: The p.K732R variant (also known as c.2195A>G), located in coding exon 20 of the POLE gene, results from an A to G substitution at nucleotide position 2195. The lysine at codon 732 is replaced by arginine, an amino acid with highly similar properties. This amino acid position is conserved. In addition, this alteration is predicted to be tolerated by in silico analysis. Since supporting evidence is limited at this time, the clinical significance of this alteration remains unclear.

NM_006231.4(POLE):c.2195A>G (p.Lys732Arg)

Gene: POLE (DNA polymerase epsilon, catalytic subunit; minus strand). Cytogenetic location: 12q24.33.
Variant type: single nucleotide variant.
Coding change: c.2195A>G on transcript NM_006231.4 (MANE Select); coding-DNA position 2195, A replaced by G.
Protein change: p.Lys732Arg; replaces lysine 732 with arginine.
Molecular consequence: missense variant.
Genome position (GRCh38, 1-based): chr12:132,667,627, T>C on the plus strand (A>G on the coding strand, the complement: POLE is on the minus strand). VCF-style: chr12-132667627-T-C. GRCh37 (hg19) VCF-style: chr12-133244213-T-C.
Other names: short protein forms K732R.
Identifiers: ClinVar variation 2447926 (VCV002447926.5), dbSNP rs1259020343, ClinGen allele CA387352326.